The following is an entry in ClinVar:

NM_000202.8(IDS):c.1480_1481insTATTCCATATACTATATGGAATACTATATAGGTATT (p.Thr494delinsIlePheHisIleLeuTyrGlyIleLeuTyrArgTyrSer)

Gene: IDS (iduronate 2-sulfatase; minus strand). Cytogenetic location: Xq28.
Variant type: Insertion.
Coding change: c.1480_1481insTATTCCATATACTATATGGAATACTATATAGGTATT on transcript NM_000202.8 (MANE Select); coding-DNA positions 1480 to 1481, TATTCCATATACTATATGGAATACTATATAGGTATT inserted.
Protein change: p.Thr494delinsIlePheHisIleLeuTyrGlyIleLeuTyrArgTyrSer.
Molecular consequence: inframe indel.
Genome position: GRCh38: chrX:149,482,918-149,482,919. GRCh37 (hg19): chrX:148,564,449-148,564,450.
Other names: c.1210_1211insTATTCCATATACTATATGGAATACTATATAGGTATT, p.Thr404delinsIlePheHisIleLeuTyrGlyIleLeuTyrArgTyrSer (NM_001166550.4).
Identifiers: ClinVar variation 3256073 (VCV003256073.2).
Genomic context (GRCh38, chrX:149,482,918, plus strand): 5'-AAGTTAGCTAGAAATTCATCAGGATTGAAGCCAACCCACACAGTATACCTATAGTCTATG[G>GAATACCTATATAGTATTCCATATAGTATATGGAATA]TGCGTATGGAATAGCCCATGATCTTTATATCTTTTAAACTCGGCTTGTCAGAATTCCACT-3'

ClinVar aggregate classification (germline): Likely pathogenic (1 of 4 stars; one submission).

Conditions:
Mucopolysaccharidosis, MPS-II (MPS2). Also called: Hunter Syndrome; IDURONATE 2-SULFATASE DEFICIENCY; Mucopolysaccharidosis Type II; Mucopolysaccharidosis type 2; Attenuated MPS (subtype; formerly known as mild MPS II); Severe MPS II. Identifiers: Orphanet 580, Orphanet 79388, MedGen C0026705, MONDO:0010674, OMIM 309900.

Submission:

Laboratory of Diagnosis and Therapy of Lysosomal Disorders, University of Padova
Classification: Likely pathogenic for Mucopolysaccharidosis, MPS-II. Last evaluated: 2024-06-07. Review status: criteria provided, single submitter. Criteria: ACMG Guidelines, 2015. Collection method: literature only. Allele origin: germline. Affected: yes. Observed: 1 variant allele.
Comment: Absent from controls (or at low frequency) in gnomAD database (PM2_Moderate), Multiple lines of computational evidence support a deleterious effect (PP3_Supporting), Patient’s phenotype or family history highly specific for the disease (PP4_Strong)

Classification method: ACMG Guidelines [PMID:25741868] with modifications

Literature cited by the submitters: PubMed 36945845.